The following is an entry in ClinVar:

NM_000090.4(COL3A1):c.2534dup (p.Gly846fs)

Gene: COL3A1 (collagen type III alpha 1 chain; plus strand). Cytogenetic location: 2q32.2.
Variant type: Duplication.
Coding change: c.2534dup on transcript NM_000090.4 (MANE Select); coding-DNA position 2534, one base duplicated (C; older notation c.2534dupC).
Protein change: p.Gly846fs; shifts the reading frame from glycine 846.
Molecular consequence: frameshift variant.
Genome position (GRCh38, 1-based): chr2:189,003,043, C duplicated; the last of 5 consecutive C bases (chr2:189,003,039-189,003,043); duplicating any one gives the same sequence. VCF-style (leftmost placement, unchanged base first): chr2-189003038-A-AC. GRCh37 (hg19) VCF-style: chr2-189867764-A-AC.
Other names: c.2534dupC (NM_000090.3); short protein forms G846fs.
Identifiers: ClinVar variation 101396 (VCV000101396.16), dbSNP rs587779653, ClinGen allele CA286343.

ClinVar aggregate classification (germline): Pathogenic. Review status: criteria provided, multiple submitters, no conflicts (2 of 4 stars). 3 submissions from 3 submitters: Pathogenic (2). 1 of the submissions does not count toward it. Last evaluated 2026-01-24.

Conditions:
Ehlers-Danlos syndrome, type 4 (EDSVASC). Also called: Ehlers-Danlos syndrome vascular type; Ehlers Danlos syndrome, ecchymotic type; Ehlers Danlos syndrome, arterial type; Ehlers Danlos syndrome, Sack-Barabas type; Ehlers-Danlos Syndrome Type IV. Identifiers: Orphanet 286, MedGen C0268338, MONDO:0017314, OMIM 130050.

Submissions (3):

Labcorp Genetics (formerly Invitae), Labcorp
Classification: Pathogenic for Ehlers-Danlos syndrome, type 4. Last evaluated: 2026-01-24. Review status: criteria provided, single submitter. Criteria: Invitae Variant Classification Sherloc (09022015). Collection method: clinical testing. Allele origin: germline.
Comment: This sequence change creates a premature translational stop signal (p.Gly846Trpfs*17) in the COL3A1 gene. It is expected to result in an absent or disrupted protein product. Loss-of-function variants in COL3A1 are known to be pathogenic (PMID: 24922459). This variant is not present in population databases (gnomAD no frequency). This premature translational stop signal has been observed in individual(s) with vascular Ehlers-Danlos syndrome (PMID: 24922459). ClinVar contains an entry for this variant (Variation ID: 101396). For these reasons, this variant has been classified as Pathogenic.

Mayo Clinic Laboratories, Mayo Clinic
Classification: Pathogenic. Last evaluated: 2019-05-20. Review status: criteria provided, single submitter. Criteria: ACMG Guidelines, 2015. Collection method: clinical testing. Allele origin: germline. Observed: 1 variant allele.
Comment: PVS1, PM2

Collagen Diagnostic Laboratory, University of Washington
Classification: Pathogenic for Ehlers-Danlos syndrome, type 4. Review status: no assertion criteria provided. Collection method: clinical testing. Allele origin: germline. Affected: yes. Not counted in ClinVar's aggregate classification.

Literature cited by the submitters: PubMed 24922459 (cited by Labcorp Genetics (formerly Invitae), Labcorp and Mayo Clinic Laboratories, Mayo Clinic).